The following is an entry in ClinVar:

ClinVar aggregate classification (germline): Uncertain significance. Review status: criteria provided, multiple submitters, no conflicts (2 of 4 stars). 3 submissions from 3 submitters: Uncertain significance (3). Last evaluated 2025-12-08.

Conditions:
Fanconi anemia (FA). Also called: Fanconi's anemia. Identifiers: Orphanet 84, MedGen C0015625, MeSH D005199, MONDO:0019391.
Fanconi anemia complementation group D2. Also called: FANCD2-Related Fanconi Anemia; FANCONI PANCYTOPENIA, TYPE 4; FANCONI ANEMIA, COMPLEMENTATION GROUP D. Identifiers: Orphanet 84, MedGen C3160738, MONDO:0009214, OMIM 227646.

Allele frequency attached by ClinVar (database versions not stated): gnomAD 0.00002 and 0.00003; 1000 Genomes Project 30x 0.00016; gnomAD exomes 0.00002; TOPMed 0.00003; ExAC 0.00004; 1000 Genomes Project 0.00020.
gnomAD v4.1: 47 of 1,559,974 alleles (0.003%); highest among the groups gnomAD compares: Non-Finnish European, 0.0036%; no homozygotes.

Submissions (3):

Labcorp Genetics (formerly Invitae), Labcorp
Classification: Uncertain significance for Fanconi anemia. Last evaluated: 2025-12-08. Review status: criteria provided, single submitter. Criteria: Invitae Variant Classification Sherloc (09022015). Collection method: clinical testing. Allele origin: germline.
Comment: This sequence change replaces arginine, which is basic and polar, with cysteine, which is neutral and slightly polar, at codon 119 of the FANCD2 protein (p.Arg119Cys). The frequency data for this variant in the population databases is considered unreliable, as metrics indicate poor data quality at this position in the gnomAD database. This variant has not been reported in the literature in individuals affected with FANCD2-related conditions. ClinVar contains an entry for this variant (Variation ID: 964558). Invitae Evidence Modeling of protein sequence and biophysical properties (such as structural, functional, and spatial information, amino acid conservation, physicochemical variation, residue mobility, and thermodynamic stability) indicates that this missense variant is not expected to disrupt FANCD2 protein function with a negative predictive value of 80%. Algorithms developed to predict the effect of sequence changes on RNA splicing suggest that this variant may disrupt the consensus splice site. In summary, the available evidence is currently insufficient to determine the role of this variant in disease. Therefore, it has been classified as a Variant of Uncertain Significance.

Victorian Clinical Genetics Services, Murdoch Childrens Research Institute
Classification: Uncertain significance for Fanconi anemia complementation group D2. Last evaluated: 2024-10-09. Review status: criteria provided, single submitter. Criteria: ACMG Guidelines, 2015. Collection method: clinical testing. Allele origin: germline. Inheritance: Autosomal recessive inheritance. Affected: yes.
Comment: Based on the classification scheme VCGS_Germline_v1.3.4, this variant is classified as VUS-3A. Following criteria are met: 0102 - Loss of function is a known mechanism of disease in this gene and is associated with Fanconi anaemia, complementation group D2 (MIM#227646). (I) 0106 - This gene is associated with autosomal recessive disease. (I) 0200 - Variant is predicted to result in a missense amino acid change from arginine to cysteine. (I) 0251 - This variant is heterozygous. (I) 0304 - Variant is present in gnomAD <0.01 for a recessive condition (v3: 4 heterozygotes, 0 homozygotes). (SP) 0309 - Multiple alternative amino acid changes at the same position have been observed in gnomAD (highest allele count v3: 10 heterozygotes, 0 homozygotes). (I) 0502 - Missense variant with conflicting in silico predictions and uninformative conservation. (I) 0600 - Variant is located in the annotated FancD2 domain (DECIPHER). (I) 0705 - No comparable missense variants have previous evidence for pathogenicity. (I) 0809 - Previous evidence of pathogenicity for this variant is inconclusive. In addition, this variant has been classified as VUS by diagnostic laboratories in ClinVar. (I) 0905 - No published segregation evidence has been identified for this variant. (I) 1007 - No published functional evidence has been identified for this variant. (I) 1201 - Heterozygous variant detected in trans with a pathogenic heterozygous variant (NM_001018115.1:c.1665dup; p.(His556Alafs*10)) in a recessive disease. (I) Legend: (SP) - Supporting pathogenic, (I) - Information, (SB) - Supporting benign

Fulgent Genetics
Classification: Uncertain significance for Fanconi anemia complementation group D2. Last evaluated: 2024-05-13. Review status: criteria provided, single submitter. Criteria: ACMG Guidelines, 2015. Collection method: clinical testing. Allele origin: germline.

Literature cited by the submitters: PubMed 30633423 (cited by Victorian Clinical Genetics Services, Murdoch Childrens Research Institute).

NM_001018115.3(FANCD2):c.355C>T (p.Arg119Cys)

Genes: FANCD2 (FA complementation group D2; plus strand), LOC107303338 (3p25 FANCD2 Alu-mediated recombination region; plus strand). Cytogenetic location: 3p25.3.
Variant type: single nucleotide variant.
Coding change: c.355C>T on transcript NM_001018115.3 (MANE Select); coding-DNA position 355, C replaced by T.
Protein change: p.Arg119Cys; replaces arginine 119 with cysteine.
Molecular consequence: missense variant.
Genome position (GRCh38, 1-based): chr3:10,034,776, C>T. VCF-style: chr3-10034776-C-T. GRCh37 (hg19) VCF-style: chr3-10076460-C-T.
Other names: c.355C>T, p.Arg119Cys (NM_001319984.2, NM_001374253.1, NM_001374254.1 and 2 more transcripts); c.355C>T (NM_001018115.1); short protein forms R119C.
Identifiers: ClinVar variation 964558 (VCV000964558.12), dbSNP rs200335298, ClinGen allele CA2249179.
Genomic context (GRCh38, chr3:10,034,776, plus strand): 5'-GGCCTGGAGTCTTACATTGAGGATGAAGACAGTTTCAGGAACTGCCTTTTGTCTTGTGAG[C>T]GTCTGCAGGATGAGGAAGCCAGGTGTGGAGAGGAGGCATGGAATCTTGCTGAAATTCAGT-3'
Protein context (NP_001018125.1, residues 109-129): SFRNCLLSCE[Arg119Cys]LQDEEASMGA